The following is an entry in ClinVar:

NM_199355.4(ADAMTS18):c.2204C>G (p.Ser735Ter)

Gene: ADAMTS18 (ADAM metallopeptidase with thrombospondin type 1 motif 18; minus strand). Cytogenetic location: 16q23.1.
Variant type: single nucleotide variant.
Coding change: c.2204C>G on transcript NM_199355.4 (MANE Select); coding-DNA position 2204, C replaced by G.
Protein change: p.Ser735Ter; replaces serine 735 with a stop codon.
Molecular consequence: nonsense.
Genome position (GRCh38, 1-based): chr16:77,321,162, G>C on the plus strand (C>G on the coding strand, the complement: ADAMTS18 is on the minus strand). VCF-style: chr16-77321162-G-C. GRCh37 (hg19) VCF-style: chr16-77355059-G-C.
Other names: c.1688C>G, p.Ser563Ter (NM_001326358.2); short protein forms S735*, S563*.
Identifiers: ClinVar variation 2026248 (VCV002026248.4), dbSNP rs2543648043, ClinGen allele CA396828337.

ClinVar aggregate classification (germline): Pathogenic (1 of 4 stars; one submission).

Submission:

Labcorp Genetics (formerly Invitae), Labcorp
Classification: Pathogenic. Last evaluated: 2022-09-06. Review status: criteria provided, single submitter. Criteria: Invitae Variant Classification Sherloc (09022015). Collection method: clinical testing. Allele origin: germline.
Comment: This sequence change creates a premature translational stop signal (p.Ser735*) in the ADAMTS18 gene. It is expected to result in an absent or disrupted protein product. Loss-of-function variants in ADAMTS18 are known to be pathogenic (PMID: 23818446, 24874986). This variant is not present in population databases (gnomAD no frequency). This variant has not been reported in the literature in individuals affected with ADAMTS18-related conditions. For these reasons, this variant has been classified as Pathogenic.

Literature cited by the submitters: PubMed 23818446; PubMed 24874986.